The following is an entry in ClinVar:

ClinVar aggregate classification (germline): Uncertain significance (1 of 4 stars; one submission).

Conditions:
SH2B1-related disorder. Also called: SH2B1-related condition.

Submission:

PreventionGenetics, part of Exact Sciences
Classification: Uncertain significance for SH2B1-related condition. Last evaluated: 2024-12-14. Review status: criteria provided, single submitter. Criteria: ACMG Guidelines, 2015. Collection method: clinical testing. Allele origin: germline.
Comment: The SH2B1 c.494C>T variant is predicted to result in the amino acid substitution p.Ser165Leu. To our knowledge, this variant has not been reported in the literature or in a large population database (gnomAD), indicating this variant is rare. At this time, the clinical significance of this variant is uncertain due to the absence of conclusive functional and genetic evidence.

NM_001387430.1(SH2B1):c.494C>T (p.Ser165Leu)

Gene: SH2B1 (SH2B adaptor protein 1; plus strand). Cytogenetic location: 16p11.2.
Variant type: single nucleotide variant.
Coding change: c.494C>T on transcript NM_001387430.1 (MANE Select); coding-DNA position 494, C replaced by T.
Protein change: p.Ser165Leu; replaces serine 165 with leucine.
Molecular consequence: missense variant. On other transcripts: intron variant (1).
Genome position (GRCh38, 1-based): chr16:28,866,588, C>T. VCF-style: chr16-28866588-C-T. GRCh37 (hg19) VCF-style: chr16-28877909-C-T.
Other names: c.494C>T, p.Ser165Leu (NM_001145795.2, NM_001145796.2, NM_001145797.2 and 4 more transcripts); c.-26-786C>T (NM_001308294.2); short protein forms S165L.
Identifiers: ClinVar variation 4999035 (VCV004999035.1).
Genomic context (GRCh38, chr16:28,866,588, plus strand): 5'-CCAAGCCGAAGCTCAAGAAGCGCTTTTCCCTGCGTTCAGTGGGTCGCTCTGTCCGAGGCT[C>T]AGTCCGTGGCATCCTGCAGTGGCGGGGGACCGTTGACCCTCCCTCCTCCGCTGGGCCCCT-3'
Protein context (NP_001374359.1, residues 155-175): LRSVGRSVRG[Ser165Leu]VRGILQWRGT